The following is an entry in ClinVar:

ClinVar aggregate classification (germline): Pathogenic/Likely pathogenic. Review status: criteria provided, multiple submitters, no conflicts (2 of 4 stars). 4 submissions from 4 submitters: Pathogenic (2); Likely pathogenic (2). Last evaluated 2026-02-13.

Conditions:
Achondrogenesis, type IB (ACG1B). Also called: Achondrogenesis Type 1B. Identifiers: Orphanet 932, Orphanet 93298, MedGen C0265274, MONDO:0010966, OMIM 600972.

Submissions (4):

GeneDx
Classification: Pathogenic. Last evaluated: 2026-02-13. Review status: criteria provided, single submitter. Criteria: GeneDx Variant Classification Process June 2021. Collection method: clinical testing. Allele origin: germline.
Comment: Reported in the homozygous state in one patient from a cohort of patients with multiple congenital anomalies and/or neurocognitive disabilities; patient specific details were not provided in this publication (PMID: 37236975); Frameshift variant predicted to result in protein truncation or nonsense mediated decay in a gene for which loss of function is a known mechanism of disease; Not observed at significant frequency in large population cohorts (gnomAD); This variant is associated with the following publications: (PMID: 37236975)

Natera, Inc.
Classification: Likely pathogenic for Achondrogenesis type IB. Last evaluated: 2024-09-27. Review status: criteria provided, single submitter. Criteria: Natera Variant Classification Schema (03/2026). Collection method: clinical testing. Allele origin: germline.
Comment: The c.299delC variant in SLC26A2 is a frameshift variant predicted to shift the reading frame beginning at codon 100 and leads to a stop codon 5 codons downstream. This variant is expected to result in nonsense mediated decay, truncation, or a dysfunctional protein product. This variant is rare in the general population with a frequency below the threshold expected for the associated phenotype(s). Given the available evidence, this variant is classified as Likely Pathogenic.

Baylor Genetics
Classification: Likely pathogenic for Achondrogenesis, type IB. Last evaluated: 2024-03-27. Review status: criteria provided, single submitter. Criteria: ACMG Guidelines, 2015. Collection method: clinical testing. Allele origin: unknown.

Genomic Medicine Lab, University of California San Francisco
Classification: Pathogenic for Achondrogenesis, type IB. Last evaluated: 2018-12-20. Review status: criteria provided, single submitter. Criteria: ACMG Guidelines, 2015. Collection method: clinical testing. Allele origin: inherited. Inheritance: Autosomal recessive inheritance. Affected: yes. Study: CSER.

NM_000112.4(SLC26A2):c.299del (p.Pro100fs)

Gene: SLC26A2 (solute carrier family 26 member 2; plus strand). Cytogenetic location: 5q32.
Variant type: Deletion.
Coding change: c.299del on transcript NM_000112.4 (MANE Select); coding-DNA position 299, one base deleted (C; older notation c.299delC).
Protein change: p.Pro100fs; shifts the reading frame from proline 100.
Molecular consequence: frameshift variant.
Genome position (GRCh38, 1-based): chr5:149,977,951, C deleted; the last of 3 consecutive C bases (chr5:149,977,949-149,977,951); deleting any one gives the same sequence. VCF-style (leftmost placement, unchanged base first): chr5-149977948-TC-T. GRCh37 (hg19) VCF-style: chr5-149357511-TC-T.
Other names: c.299del (NM_000112.3); short protein forms P100fs.
Identifiers: ClinVar variation 816912 (VCV000816912.4), dbSNP rs1581230727, ClinGen allele CA915942680.
Genomic context (GRCh38, chr5:149,977,948, plus strand): 5'-AGTGCAGTCCAGCCAAAGCCAAAAATATGATTTTAGGTTTCCTTCCTGTTTTGCAGTGGC[TC>T]CCAAAATACGACCTAAAGAAAAACATTTTAGGGGATGTGATGTCAGGCTTGATTGTGGGC-3'